The following is an entry in ClinVar:

ClinVar aggregate classification (germline): Uncertain significance (1 of 4 stars; one submission).

Submission:

Labcorp Genetics (formerly Invitae), Labcorp
Classification: Uncertain significance. Last evaluated: 2025-10-14. Review status: criteria provided, single submitter. Criteria: Invitae Variant Classification Sherloc (09022015). Collection method: clinical testing. Allele origin: germline.
Comment: This sequence change replaces valine, which is neutral and non-polar, with isoleucine, which is neutral and non-polar, at codon 214 of the POLR1A protein (p.Val214Ile). This variant is present in population databases (rs537206211, gnomAD 0.01%). This variant has not been reported in the literature in individuals affected with POLR1A-related conditions. Invitae Evidence Modeling of protein sequence and biophysical properties (such as structural, functional, and spatial information, amino acid conservation, physicochemical variation, residue mobility, and thermodynamic stability) indicates that this missense variant is not expected to disrupt POLR1A protein function with a negative predictive value of 80%. In summary, the available evidence is currently insufficient to determine the role of this variant in disease. Therefore, it has been classified as a Variant of Uncertain Significance.

NM_015425.6(POLR1A):c.640G>A (p.Val214Ile)

Gene: POLR1A (RNA polymerase I subunit A; minus strand). Cytogenetic location: 2p11.2.
Variant type: single nucleotide variant.
Coding change: c.640G>A on transcript NM_015425.6 (MANE Select); coding-DNA position 640, G replaced by A.
Protein change: p.Val214Ile; replaces valine 214 with isoleucine.
Molecular consequence: missense variant.
Genome position (GRCh38, 1-based): chr2:86,088,656, C>T on the plus strand (G>A on the coding strand, the complement: POLR1A is on the minus strand). VCF-style: chr2-86088656-C-T. GRCh37 (hg19) VCF-style: chr2-86315779-C-T.
Other names: short protein forms V214I.
Identifiers: ClinVar variation 4700055 (VCV004700055.1).
Genomic context (GRCh38, chr2:86,088,656, plus strand): 5'-TCCTGTGCACCATGGCTGGAAACGTGATAGTCAACTTGCTGTTGTGTTCCTTTCGGACAA[C>T]GGATCGCCCGGTCCTGTGCAGGAGGACAGTTGTGATTGAAGAGAGAAAAAACCCAGTAAG-3'
Protein context (NP_056240.2, residues 204-224): RCPHCKTGRS[Val214Ile]VRKEHNSKLT